The following is an entry in ClinVar:

NC_012920.1(MT-CO2):m.7861T>C

Gene: MT-CO2 (mitochondrially encoded cytochrome c oxidase II; plus strand).
Variant type: single nucleotide variant.
Genome position: chrM-7861-T-C.
Identifiers: ClinVar variation 235521 (VCV000235521.3), dbSNP rs368623956, ClinGen allele CA10581341.

ClinVar aggregate classification (germline): Likely benign (1 of 4 stars; one submission).

Submission:

Center for Pediatric Genomic Medicine, Children's Mercy Hospital and Clinics
Classification: Likely benign. Last evaluated: 2016-05-10. Review status: criteria provided, single submitter. Criteria: ACMG Guidelines, 2015. Collection method: clinical testing. Allele origin: germline.
ClinVar note: Converted during submission from Likely Benign to Likely benign.